The following is an entry in ClinVar:

NM_004656.4(BAP1):c.1862C>T (p.Pro621Leu)

Gene: BAP1 (BRCA1 associated deubiquitinase 1; minus strand). Cytogenetic location: 3p21.1.
Variant type: single nucleotide variant.
Coding change: c.1862C>T on transcript NM_004656.4 (MANE Select); coding-DNA position 1862, C replaced by T.
Protein change: p.Pro621Leu; replaces proline 621 with leucine.
Molecular consequence: missense variant.
Genome position (GRCh38, 1-based): chr3:52,403,166, G>A on the plus strand (C>T on the coding strand, the complement: BAP1 is on the minus strand). VCF-style: chr3-52403166-G-A. GRCh37 (hg19) VCF-style: chr3-52437182-G-A.
Other names: short protein forms P621L.
Identifiers: ClinVar variation 921722 (VCV000921722.4), dbSNP rs1705020958, ClinGen allele CA353098075.

ClinVar aggregate classification (germline): Uncertain significance (1 of 4 stars; one submission).

Conditions:
Hereditary cancer-predisposing syndrome. Also called: Neoplastic Syndromes, Hereditary; Tumor predisposition; Hereditary Cancer Syndrome; Hereditary neoplastic syndrome. Identifiers: Orphanet 140162, MedGen C0027672, MeSH D009386, MONDO:0015356.

Allele frequency attached by ClinVar (database versions not stated): gnomAD exomes below 0.00001.
gnomAD v4.1: 1 of 1,613,960 alleles (0.000062%); highest among the groups gnomAD compares: African/African-American, 0.0013%; no homozygotes.

Submission:

Color Diagnostics, LLC DBA Color Health
Classification: Uncertain significance for Hereditary cancer-predisposing syndrome. Last evaluated: 2024-03-07. Review status: criteria provided, single submitter. Criteria: ACMG Guidelines, 2015. Collection method: clinical testing. Allele origin: germline.
Comment: This missense variant replaces proline with leucine at codon 621 of the BAP1 protein. Computational prediction suggests that this variant may not impact protein structure and function (internally defined REVEL score threshold <= 0.5, PMID: 27666373). Splice site prediction tools suggest that this variant may not impact RNA splicing. To our knowledge, functional studies have not been performed for this variant. This variant has not been reported in individuals affected with hereditary cancer in the literature. This variant has not been identified in the general population by the Genome Aggregation Database (gnomAD). The available evidence is insufficient to determine the role of this variant in disease conclusively. Therefore, this variant is classified as a Variant of Uncertain Significance.